The following is an entry in ClinVar:

ClinVar aggregate classification (germline): Uncertain significance. Review status: criteria provided, multiple submitters, no conflicts (2 of 4 stars). 2 submissions from 2 submitters: Uncertain significance (2). Last evaluated 2025-04-15.

Conditions:
PEX5-related disorder. Also called: PEX5-Related Disorders; PEX5-related condition.
Peroxisome biogenesis disorder 2B (PBD2B). Identifiers: Orphanet 44, MedGen C3550234, MONDO:0008736, OMIM 202370.

Allele frequency attached by ClinVar (database versions not stated): gnomAD 0.00001; gnomAD exomes 0.00001 and 0.00003; ExAC 0.00002; TOPMed 0.00002.
gnomAD v4.1: 9 of 1,613,680 alleles (0.00056%); highest among the groups gnomAD compares: Admixed American, 0.013%; no homozygotes.

Submissions (2):

PreventionGenetics, part of Exact Sciences
Classification: Uncertain significance for PEX5-related condition. Last evaluated: 2025-04-15. Review status: criteria provided, single submitter. Criteria: ACMG Guidelines, 2015. Collection method: clinical testing. Allele origin: germline.
Comment: The PEX5 c.758C>T variant is predicted to result in the amino acid substitution p.Thr253Ile. To our knowledge, this variant has not been reported in the literature. This variant is reported in 0.023% of alleles in individuals of Latino descent in gnomAD. At this time, the clinical significance of this variant is uncertain due to the absence of conclusive functional and genetic evidence.

Labcorp Genetics (formerly Invitae), Labcorp
Classification: Uncertain significance for Peroxisome biogenesis disorder 2B. Last evaluated: 2022-10-04. Review status: criteria provided, single submitter. Criteria: Invitae Variant Classification Sherloc (09022015). Collection method: clinical testing. Allele origin: germline.
Comment: This sequence change replaces threonine, which is neutral and polar, with isoleucine, which is neutral and non-polar, at codon 253 of the PEX5 protein (p.Thr253Ile). This variant is present in population databases (rs747765156, gnomAD 0.02%). This variant has not been reported in the literature in individuals affected with PEX5-related conditions. ClinVar contains an entry for this variant (Variation ID: 1446939). Advanced modeling of protein sequence and biophysical properties (such as structural, functional, and spatial information, amino acid conservation, physicochemical variation, residue mobility, and thermodynamic stability) performed at Invitae indicates that this missense variant is not expected to disrupt PEX5 protein function. In summary, the available evidence is currently insufficient to determine the role of this variant in disease. Therefore, it has been classified as a Variant of Uncertain Significance.

NM_001351132.2(PEX5):c.758C>T (p.Thr253Ile)

Gene: PEX5 (peroxisomal biogenesis factor 5; plus strand). Cytogenetic location: 12p13.31.
Variant type: single nucleotide variant.
Coding change: c.758C>T on transcript NM_001351132.2 (MANE Select); coding-DNA position 758, C replaced by T.
Protein change: p.Thr253Ile; replaces threonine 253 with isoleucine.
Molecular consequence: missense variant.
Genome position (GRCh38, 1-based): chr12:7,202,616, C>T. VCF-style: chr12-7202616-C-T. GRCh37 (hg19) VCF-style: chr12-7355212-C-T.
Other names: c.758C>T, p.Thr253Ile (NM_000319.5, NM_001131025.2, NM_001131026.2 and 6 more transcripts); c.803C>T, p.Thr268Ile (NM_001131023.2); c.647C>T, p.Thr216Ile (NM_001131024.2, NM_001351124.3, NM_001351126.2 and 10 more transcripts); c.692C>T, p.Thr231Ile (NM_001351135.3, NM_001351138.2); c.758C>T (NM_001131025.1); short protein forms T231I, T253I, T268I, T216I.
Identifiers: ClinVar variation 1446939 (VCV001446939.6), dbSNP rs747765156, ClinGen allele CA6426273.